The following is an entry in ClinVar:

NM_001365276.2(TNXB):c.7561G>C (p.Glu2521Gln)

Gene: TNXB (tenascin XB; minus strand). Cytogenetic location: 6p21.33.
Variant type: single nucleotide variant.
Coding change: c.7561G>C on transcript NM_001365276.2 (MANE Select); coding-DNA position 7561, G replaced by C.
Protein change: p.Glu2521Gln; replaces glutamic acid 2521 with glutamine.
Molecular consequence: missense variant.
Genome position (GRCh38, 1-based): chr6:32,058,322, C>G on the plus strand (G>C on the coding strand, the complement: TNXB is on the minus strand). VCF-style: chr6-32058322-C-G. GRCh37 (hg19) VCF-style: chr6-32026099-C-G.
Other names: c.7561G>C, p.Glu2521Gln (NM_019105.8); short protein forms E2521Q.
Identifiers: ClinVar variation 2565764 (VCV002565764.2), dbSNP rs1053476236, ClinGen allele CA363551636.

ClinVar aggregate classification (germline): Uncertain significance (1 of 4 stars; one submission).

Conditions:
Cardiovascular phenotype. Identifiers: MedGen CN230736.

Submission:

Ambry Genetics
Classification: Uncertain significance for Cardiovascular phenotype. Last evaluated: 2023-06-04. Review status: criteria provided, single submitter. Criteria: Ambry Variant Classification Scheme 2023. Collection method: clinical testing. Allele origin: germline.
Comment: The p.E2521Q variant (also known as c.7561G>C), located in coding exon 21 of the TNXB gene, results from a G to C substitution at nucleotide position 7561. The glutamic acid at codon 2521 is replaced by glutamine, an amino acid with highly similar properties. This amino acid position is conserved. In addition, this alteration is predicted to be tolerated by in silico analysis. Since supporting evidence is limited at this time, the clinical significance of this alteration remains unclear.